The following is an entry in ClinVar:

ClinVar aggregate classification (germline): Likely benign (1 of 4 stars; one submission).

Conditions:
CEP164-related disorder. Also called: CEP164-related condition.

gnomAD v4.1: 1 of 1,613,498 alleles (0.000062%); highest among the groups gnomAD compares: Non-Finnish European, 0.000085%; no homozygotes.

Submission:

PreventionGenetics, part of Exact Sciences
Classification: Likely benign for CEP164-related condition. Last evaluated: 2026-01-26. Review status: criteria provided, single submitter. Criteria: ACMG Guidelines, 2015. Collection method: clinical testing. Allele origin: germline.
Comment: This variant is classified as likely benign based on ACMG/AMP sequence variant interpretation guidelines (Richards et al. 2015 PMID: 25741868, with internal and published modifications).

NM_014956.5(CEP164):c.660G>A (p.Glu220=)

Gene: CEP164 (centrosomal protein 164; plus strand). Cytogenetic location: 11q23.3.
Variant type: single nucleotide variant.
Coding change: c.660G>A on transcript NM_014956.5 (MANE Select); coding-DNA position 660, G replaced by A.
Protein change: p.Glu220=; no amino-acid change (glutamic acid 220 retained).
Molecular consequence: synonymous variant.
Genome position (GRCh38, 1-based): chr11:117,362,511, G>A. VCF-style: chr11-117362511-G-A. GRCh37 (hg19) VCF-style: chr11-117233227-G-A.
Other names: c.660G>A, p.Glu220= (NM_001271933.2, NM_001440949.1, NM_001440950.1 and 36 more transcripts); c.522G>A, p.Glu174= (NM_001440960.1).
Identifiers: ClinVar variation 4999894 (VCV004999894.1).